The following is an entry in ClinVar:

NM_000138.5(FBN1):c.6826T>G (p.Cys2276Gly)

Gene: FBN1 (fibrillin 1; minus strand). Cytogenetic location: 15q21.1.
Variant type: single nucleotide variant.
Coding change: c.6826T>G on transcript NM_000138.5 (MANE Select); coding-DNA position 6826, T replaced by G.
Protein change: p.Cys2276Gly; replaces cysteine 2276 with glycine.
Molecular consequence: missense variant.
Genome position (GRCh38, 1-based): chr15:48,430,716, A>C on the plus strand (T>G on the coding strand, the complement: FBN1 is on the minus strand). VCF-style: chr15-48430716-A-C. GRCh37 (hg19) VCF-style: chr15-48722913-A-C.
Other names: short protein forms C2276G.
Identifiers: ClinVar variation 953581 (VCV000953581.9), dbSNP rs2043017257, ClinGen allele CA392332198.

ClinVar aggregate classification (germline): Likely pathogenic (1 of 4 stars; one submission).

Conditions:
Marfan syndrome (MFS). Also called: FBN1-Related Marfan Syndrome; MARFAN SYNDROME, TYPE I; Marfan syndrome type 1; Marfan's syndrome; Marfan syndrome, classic. Identifiers: Orphanet 284963, Orphanet 558, MedGen C0024796, MONDO:0007947, OMIM 154700.
Familial thoracic aortic aneurysm and aortic dissection (TAAD). Also called: Thoracic aortic aneurysms and dissections. Identifiers: Orphanet 91387, MedGen C4707243, MONDO:0019625.

Submission:

Labcorp Genetics (formerly Invitae), Labcorp
Classification: Likely pathogenic for Marfan syndrome; Familial thoracic aortic aneurysm and aortic dissection. Last evaluated: 2019-11-10. Review status: criteria provided, single submitter. Criteria: Invitae Variant Classification Sherloc (09022015). Collection method: clinical testing. Allele origin: germline.
Comment: This sequence change replaces cysteine with glycine at codon 2276 of the FBN1 protein (p.Cys2276Gly). The cysteine residue is highly conserved and there is a large physicochemical difference between cysteine and glycine. This variant is not present in population databases (ExAC no frequency). This variant affects a cysteine residue in the EGF-like, TGFBP or hybrid motif domains of FBN1. Cysteine residues are believed to be involved in intramolecular disulfide bridges and have been shown to be important for FBN1 protein structure (PMID: 16905551, 19349279). In addition, missense substitutions affecting cysteine residues within these domains are significantly overrepresented among patients with Marfan syndrome (PMID: 16571647, 17701892). In summary, the currently available evidence indicates that the variant is pathogenic, but additional data are needed to prove that conclusively. Therefore, this variant has been classified as Likely Pathogenic. This variant disrupts the p.Cys2276 amino acid residue in FBN1. Other variant(s) that disrupt this residue have been observed in individuals with FBN1-related conditions (PMID: 19659760), which suggests that this may be a clinically significant amino acid residue. Algorithms developed to predict the effect of missense changes on protein structure and function are either unavailable or do not agree on the potential impact of this missense change (SIFT: "Deleterious"; PolyPhen-2: "Probably Damaging"; Align-GVGD: "Class C0"). This variant has been observed in individual(s) with clinical features of FBN1-related disease (Invitae).

Literature cited by the submitters: PubMed 16905551; PubMed 19349279; PubMed 16571647; PubMed 17701892; PubMed 19659760.